The following is an entry in ClinVar:

ClinVar aggregate classification (germline): Uncertain significance (1 of 4 stars; one submission).

Submission:

Labcorp Genetics (formerly Invitae), Labcorp
Classification: Uncertain significance. Last evaluated: 2020-11-06. Review status: criteria provided, single submitter. Criteria: Invitae Variant Classification Sherloc (09022015). Collection method: clinical testing. Allele origin: germline.
Comment: In summary, the available evidence is currently insufficient to determine the role of this variant in disease. Therefore, it has been classified as a Variant of Uncertain Significance. Nucleotide substitutions within the consensus splice site are a relatively common cause of aberrant splicing (PMID: 17576681, 9536098). Algorithms developed to predict the effect of sequence changes on RNA splicing suggest that this variant is not likely to affect RNA splicing, but this prediction has not been confirmed by published transcriptional studies. This variant has not been reported in the literature in individuals with POLE-related conditions. This variant is not present in population databases (ExAC no frequency). This sequence change falls in intron 3 of the POLE gene. It does not directly change the encoded amino acid sequence of the POLE protein. It affects a nucleotide within the consensus splice site of the intron.

Literature cited by the submitters: PubMed 17576681; PubMed 9536098.

NM_006231.4(POLE):c.285+4A>G

Gene: POLE (DNA polymerase epsilon, catalytic subunit; minus strand). Cytogenetic location: 12q24.33.
Variant type: single nucleotide variant.
Coding change: c.285+4A>G on transcript NM_006231.4 (MANE Select); 4 bases into the intron after coding-DNA position 285, A replaced by G.
Molecular consequence: intron variant.
Genome position (GRCh38, 1-based): chr12:132,680,603, T>C on the plus strand (A>G on the coding strand, the complement: POLE is on the minus strand). VCF-style: chr12-132680603-T-C. GRCh37 (hg19) VCF-style: chr12-133257189-T-C.
Identifiers: ClinVar variation 1482290 (VCV001482290.6), dbSNP rs2043145468, ClinGen allele CA2573148287.
Genomic context (GRCh38, chr12:132,680,603, plus strand): 5'-CAGTCACAGAGCTACATGAACACCCATAAAAGTGGGTTTTAGCTTGTCGCAGTCAGGGGC[T>C]TACCTTAAATCTGCTTCCGTCATCTTGAATAAAGTAGTAATCCACTGCACTGCCTAAGCG-3'